The following is an entry in ClinVar:

ClinVar aggregate classification (germline): Likely pathogenic (1 of 4 stars; one submission).

Submission:

GeneDx
Classification: Likely pathogenic. Last evaluated: 2017-08-30. Review status: criteria provided, single submitter. Criteria: GeneDx Variant Classification (06012015). Collection method: clinical testing. Allele origin: germline. Affected: yes.
Comment: The c.1770_1773delAAGA variant in the KAT6B gene has not been reported previously as a pathogenic variant nor as a benign variant, to our knowledge. The c.1770_1773delAAGA variant causes a frameshift starting with codon Arginine 591, changes this amino acid to an Isoleucine residue, and creates a premature Stop codon at position 41 of the new reading frame, denoted p.Arg591IlefsX41. This variant is predicted to cause loss of normal protein function either through protein truncation or nonsense-mediated mRNA decay. The c.1770_1773delAAGA variant is not observed in large population cohorts (Lek et al., 2016; 1000 Genomes Consortium et al., 2015; Exome Variant Server). We interpret c.1770_1773delAAGA as a likely pathogenic variant.

NM_012330.4(KAT6B):c.1770_1773del (p.Arg591fs)

Gene: KAT6B (lysine acetyltransferase 6B; plus strand). Cytogenetic location: 10q22.2.
Variant type: Deletion.
Coding change: c.1770_1773del on transcript NM_012330.4 (MANE Select); coding-DNA positions 1770 to 1773, 4 bases deleted (AAGA; older notation c.1770_1773delAAGA).
Protein change: p.Arg591fs; shifts the reading frame from arginine 591.
Molecular consequence: frameshift variant. On other transcripts: intron variant (13).
Genome position (GRCh38, 1-based): chr10:74,976,107-74,976,110, AAGA deleted; deleting any 4 consecutive bases within chr10:74,976,106-74,976,110 gives the same sequence; the c. name uses the placement nearest the transcript's 3' end. VCF-style (leftmost placement, unchanged base first): chr10-74976105-AAAAG-A. GRCh37 (hg19) VCF-style: chr10-76735863-AAAAG-A.
Other names: c.1117+653_1117+656del (NM_001370132.1, NM_001370142.1, NM_001370139.1 and 3 more transcripts); c.929-1209_929-1206del (NM_001370144.1, NM_001370143.1); c.193-12912_193-12909del (NM_001370135.1); c.1770_1773del, p.Arg591fs (NM_001370136.1, NM_001370137.1); c.1444+326_1444+329del (NM_001370138.1, NM_001256468.2); c.846+6332_846+6335del (NM_001370133.1); c.193-3117_193-3114del (NM_001370134.1); short protein forms R591fs.
Identifiers: ClinVar variation 451543 (VCV000451543.2), dbSNP rs1554835864, ClinGen allele CA658657970.